The following is an entry in ClinVar:

NM_198076.6(COX20):c.342C>T (p.Gly114=)

Gene: COX20 (cytochrome c oxidase assembly factor COX20; plus strand). Cytogenetic location: 1q44.
Variant type: single nucleotide variant.
Coding change: c.342C>T on transcript NM_198076.6 (MANE Select); coding-DNA position 342, C replaced by T.
Protein change: p.Gly114=; no amino-acid change (glycine 114 retained).
Molecular consequence: synonymous variant. On other transcripts: 3 prime UTR variant (1), non-coding transcript variant (3).
Genome position (GRCh38, 1-based): chr1:244,843,161, C>T. VCF-style: chr1-244843161-C-T. GRCh37 (hg19) VCF-style: chr1-245006463-C-T.
Other names: c.342C>T, p.Gly114= (NM_001312871.1); c.378C>T, p.Gly126= (NM_001312872.1); c.207C>T, p.Gly69= (NM_001312873.1); c.*152C>T (NM_001312874.1).
Identifiers: ClinVar variation 386593 (VCV000386593.1), dbSNP rs1057522544, ClinGen allele CA16603630.

ClinVar aggregate classification (germline): Likely benign (1 of 4 stars; one submission).

Submission:

GeneDx
Classification: Likely benign. Last evaluated: 2016-05-24. Review status: criteria provided, single submitter. Criteria: GeneDx Variant Classification (06012015). Collection method: clinical testing. Allele origin: germline. Affected: yes.
Comment: This variant is considered likely benign or benign based on one or more of the following criteria: it is a conservative change, it occurs at a poorly conserved position in the protein, it is predicted to be benign by multiple in silico algorithms, and/or has population frequency not consistent with disease.